The following is an entry in ClinVar:

NM_006269.2(RP1):c.5079G>T (p.Leu1693Phe)

Genes: RP1 (RP1 axonemal microtubule associated; plus strand), LOC126860392 (CDK7 strongly-dependent group 2 enhancer GRCh37_chr8:55541319-55542518; plus strand). Cytogenetic location: 8q12.1.
Variant type: single nucleotide variant.
Coding change: c.5079G>T on transcript NM_006269.2 (MANE Select); coding-DNA position 5079, G replaced by T.
Protein change: p.Leu1693Phe; replaces leucine 1693 with phenylalanine.
Molecular consequence: missense variant. On other transcripts: intron variant (1).
Genome position (GRCh38, 1-based): chr8:54,628,961, G>T. VCF-style: chr8-54628961-G-T. GRCh37 (hg19) VCF-style: chr8-55541521-G-T.
Other names: c.787+6673G>T (NM_001375654.1); short protein forms L1693F.
Identifiers: ClinVar variation 2014261 (VCV002014261.4), dbSNP rs751088395, ClinGen allele CA4752001.

ClinVar aggregate classification (germline): Uncertain significance (1 of 4 stars; one submission).

Allele frequency attached by ClinVar (database versions not stated): ExAC 0.00001.
gnomAD v4.1: 1 of 1,613,992 alleles (0.000062%); highest among the groups gnomAD compares: Admixed American, 0.0017%; no homozygotes.

Submission:

Labcorp Genetics (formerly Invitae), Labcorp
Classification: Uncertain significance. Last evaluated: 2022-05-10. Review status: criteria provided, single submitter. Criteria: Invitae Variant Classification Sherloc (09022015). Collection method: clinical testing. Allele origin: germline.
Comment: This variant is not present in population databases (gnomAD no frequency). This variant has not been reported in the literature in individuals affected with RP1-related conditions. This sequence change replaces leucine, which is neutral and non-polar, with phenylalanine, which is neutral and non-polar, at codon 1693 of the RP1 protein (p.Leu1693Phe). In summary, the available evidence is currently insufficient to determine the role of this variant in disease. Therefore, it has been classified as a Variant of Uncertain Significance. Algorithms developed to predict the effect of missense changes on protein structure and function output the following: SIFT: "Tolerated"; PolyPhen-2: "Benign"; Align-GVGD: "Class C0". The phenylalanine amino acid residue is found in multiple mammalian species, which suggests that this missense change does not adversely affect protein function.